The following is an entry in ClinVar:

ClinVar aggregate classification (germline): Uncertain significance. Review status: criteria provided, multiple submitters, no conflicts (2 of 4 stars). 3 submissions from 3 submitters: Uncertain significance (3). Last evaluated 2026-06-09.

Conditions:
Familial hemiplegic migraine. Identifiers: MedGen C0338484, MONDO:0000700.
Inborn genetic diseases. Identifiers: MedGen C0950123, MeSH D030342.

Allele frequency attached by ClinVar (database versions not stated): gnomAD exomes below 0.00001.
gnomAD v4.1: 2 of 1,614,224 alleles (0.00012%); highest among the groups gnomAD compares: Non-Finnish European, 0.00017%; no homozygotes.

Submissions (3):

Ambry Genetics
Classification: Uncertain significance for Inborn genetic diseases. Last evaluated: 2026-06-09. Review status: criteria provided, single submitter. Criteria: Ambry Variant Classification Scheme 2023. Collection method: clinical testing. Allele origin: germline.

Labcorp Genetics (formerly Invitae), Labcorp
Classification: Uncertain significance for Familial hemiplegic migraine. Last evaluated: 2024-03-19. Review status: criteria provided, single submitter. Criteria: Invitae Variant Classification Sherloc (09022015). Collection method: clinical testing. Allele origin: germline.
Comment: This sequence change replaces alanine, which is neutral and non-polar, with threonine, which is neutral and polar, at codon 871 of the ATP1A2 protein (p.Ala871Thr). This variant is not present in population databases (gnomAD no frequency). This variant has not been reported in the literature in individuals affected with ATP1A2-related conditions. ClinVar contains an entry for this variant (Variation ID: 2439341). Advanced modeling of protein sequence and biophysical properties (such as structural, functional, and spatial information, amino acid conservation, physicochemical variation, residue mobility, and thermodynamic stability) performed at Invitae indicates that this missense variant is not expected to disrupt ATP1A2 protein function with a negative predictive value of 80%. In summary, the available evidence is currently insufficient to determine the role of this variant in disease. Therefore, it has been classified as a Variant of Uncertain Significance.

Revvity Omics, Revvity
Classification: Uncertain significance. Last evaluated: 2023-09-06. Review status: criteria provided, single submitter. Criteria: ACMG Guidelines, 2015. Collection method: clinical testing. Allele origin: germline.

NM_000702.4(ATP1A2):c.2611G>A (p.Ala871Thr)

Gene: ATP1A2 (ATPase Na+/K+ transporting subunit alpha 2; plus strand). Cytogenetic location: 1q23.2.
Variant type: single nucleotide variant.
Coding change: c.2611G>A on transcript NM_000702.4 (MANE Select); coding-DNA position 2611, G replaced by A.
Protein change: p.Ala871Thr; replaces alanine 871 with threonine.
Molecular consequence: missense variant.
Genome position (GRCh38, 1-based): chr1:160,136,617, G>A. VCF-style: chr1-160136617-G-A. GRCh37 (hg19) VCF-style: chr1-160106407-G-A.
Other names: short protein forms A871T.
Identifiers: ClinVar variation 2439341 (VCV002439341.7), dbSNP rs2524891031, ClinGen allele CA343251974.
Genomic context (GRCh38, chr1:160,136,617, plus strand): 5'-CCTCTACCCACAGGGATGATCCAGGCACTGGGTGGCTTCTTCACCTACTTTGTGATCCTG[G>A]CAGAGAACGGTTTCCTGCCATCACGGCTACTGGGAATCCGCCTCGACTGGGATGACCGGA-3'
Protein context (NP_000693.1, residues 861-881): GGFFTYFVIL[Ala871Thr]ENGFLPSRLL